The following is an entry in ClinVar:

ClinVar aggregate classification (germline): Uncertain significance (1 of 4 stars; one submission).

Submission:

Labcorp Genetics (formerly Invitae), Labcorp
Classification: Uncertain significance. Last evaluated: 2023-09-05. Review status: criteria provided, single submitter. Criteria: Invitae Variant Classification Sherloc (09022015). Collection method: clinical testing. Allele origin: unknown.
Comment: This variant is a gross deletion of the genomic region encompassing exon(s) 46-47 of the POLE gene. This variant would be expected to be in-frame, preserving the integrity of the reading frame. In summary, the available evidence is currently insufficient to determine the role of this variant in disease. Therefore, it has been classified as a Variant of Uncertain Significance. Experimental studies and prediction algorithms are not available or were not evaluated, and the functional significance of this variant is currently unknown. This variant has not been reported in the literature in individuals affected with POLE-related conditions.

NC_000012.11:g.(?_133202221)_(133202913_?)del

Gene: POLE (DNA polymerase epsilon, catalytic subunit; minus strand). Cytogenetic location: 12q24.33.
Variant type: Deletion.
Identifiers: ClinVar variation 3244406 (VCV003244406.1).